The following is an entry in ClinVar:

ClinVar aggregate classification (germline): Uncertain significance. Review status: criteria provided, multiple submitters, no conflicts (2 of 4 stars). 4 submissions from 4 submitters: Uncertain significance (4). Last evaluated 2025-02-27.

Conditions:
Nephrotic syndrome, type 20. Identifiers: MedGen C5193011, MONDO:0026726, OMIM 301028.

Allele frequency attached by ClinVar (database versions not stated): ExAC 0.00003; TOPMed 0.00005; gnomAD 0.00006; gnomAD exomes 0.00008; ESP Exome Variant Server 0.00019.
gnomAD v4.1: 99 of 1,205,973 alleles (0.0082%); highest among the groups gnomAD compares: Non-Finnish European, 0.01%; no homozygotes.

Submissions (4):

Labcorp Genetics (formerly Invitae), Labcorp
Classification: Uncertain significance. Last evaluated: 2025-02-27. Review status: criteria provided, single submitter. Criteria: Invitae Variant Classification Sherloc (09022015). Collection method: clinical testing. Allele origin: germline.
Comment: This sequence change replaces aspartic acid, which is acidic and polar, with asparagine, which is neutral and polar, at codon 55 of the TBC1D8B protein (p.Asp55Asn). This variant is present in population databases (rs146981109, gnomAD 0.008%). This variant has not been reported in the literature in individuals affected with TBC1D8B-related conditions. ClinVar contains an entry for this variant (Variation ID: 2436966). An algorithm developed to predict the effect of missense changes on protein structure and function (PolyPhen-2) suggests that this variant is likely to be disruptive. In summary, the available evidence is currently insufficient to determine the role of this variant in disease. Therefore, it has been classified as a Variant of Uncertain Significance.

Ambry Genetics
Classification: Uncertain significance. Last evaluated: 2024-12-22. Review status: criteria provided, single submitter. Criteria: Ambry Variant Classification Scheme 2023. Collection method: clinical testing. Allele origin: germline.

Department of Pathology and Laboratory Medicine, Sinai Health System
Classification: Uncertain significance for Nephrotic syndrome, type 20. Last evaluated: 2023-12-01. Review status: criteria provided, single submitter. Criteria: ACMG Guidelines, 2015. Collection method: research. Allele origin: germline.

Revvity Omics, Revvity
Classification: Uncertain significance for Nephrotic syndrome, type 20. Last evaluated: 2021-03-04. Review status: criteria provided, single submitter. Criteria: ACMG Guidelines, 2015. Collection method: clinical testing. Allele origin: germline.

NM_017752.3(TBC1D8B):c.163G>A (p.Asp55Asn)

Gene: TBC1D8B (TBC1 domain family member 8B; plus strand). Cytogenetic location: Xq22.3.
Variant type: single nucleotide variant.
Coding change: c.163G>A on transcript NM_017752.3 (MANE Select); coding-DNA position 163, G replaced by A.
Protein change: p.Asp55Asn; replaces aspartic acid 55 with asparagine.
Molecular consequence: missense variant.
Genome position (GRCh38, 1-based): chrX:106,818,695, G>A. VCF-style: chrX-106818695-G-A. GRCh37 (hg19) VCF-style: chrX-106061925-G-A.
Other names: c.163G>A, p.Asp55Asn (NM_198881.2); c.163G>A (NM_017752.2); short protein forms D55N.
Identifiers: ClinVar variation 2436966 (VCV002436966.5), dbSNP rs146981109, ClinGen allele CA10482904.